The following is an entry in ClinVar:

ClinVar aggregate classification (germline): Uncertain significance (1 of 4 stars; one submission).

Conditions:
Cardiovascular phenotype. Identifiers: MedGen CN230736.

Allele frequency attached by ClinVar (database versions not stated): ExAC 0.00001.
gnomAD v4.1: 1 of 1,606,136 alleles (0.000062%); highest among the groups gnomAD compares: Non-Finnish European, 0.000085%; no homozygotes.

Submission:

Ambry Genetics
Classification: Uncertain significance for Cardiovascular phenotype. Last evaluated: 2023-09-05. Review status: criteria provided, single submitter. Criteria: Ambry Variant Classification Scheme 2023. Collection method: clinical testing. Allele origin: germline.
Comment: The p.E10Q variant (also known as c.28G>C), located in coding exon 1 of the MAT2A gene, results from a G to C substitution at nucleotide position 28. The glutamic acid at codon 10 is replaced by glutamine, an amino acid with highly similar properties. This amino acid position is conserved. In addition, the in silico prediction for this alteration is inconclusive. Since supporting evidence is limited at this time, the clinical significance of this alteration remains unclear.

NM_005911.6(MAT2A):c.28G>C (p.Glu10Gln)

Gene: MAT2A (methionine adenosyltransferase 2A; plus strand). Cytogenetic location: 2p11.2.
Variant type: single nucleotide variant.
Coding change: c.28G>C on transcript NM_005911.6 (MANE Select); coding-DNA position 28, G replaced by C.
Protein change: p.Glu10Gln; replaces glutamic acid 10 with glutamine.
Molecular consequence: missense variant.
Genome position (GRCh38, 1-based): chr2:85,539,315, G>C. VCF-style: chr2-85539315-G-C. GRCh37 (hg19) VCF-style: chr2-85766438-G-C.
Other names: short protein forms E10Q.
Identifiers: ClinVar variation 2625413 (VCV002625413.2), dbSNP rs748650397, ClinGen allele CA1741269.